The following is an entry in ClinVar:

NM_000059.4(BRCA2):c.738del (p.Phe246fs)

Gene: BRCA2 (BRCA2 DNA repair associated; plus strand). Cytogenetic location: 13q13.1.
Variant type: Deletion.
Coding change: c.738del on transcript NM_000059.4 (MANE Select); coding-DNA position 738, one base deleted (T; older notation c.738delT).
Protein change: p.Phe246fs; shifts the reading frame from phenylalanine 246.
Genome position (GRCh38, 1-based): chr13:32,330,975, T deleted; the last of 3 consecutive T bases (chr13:32,330,973-32,330,975); deleting any one gives the same sequence. VCF-style (leftmost placement, unchanged base first): chr13-32330972-AT-A. GRCh37 (hg19) VCF-style: chr13-32905109-AT-A.
Other names: c.738delT (NM_000059.3); short protein forms F246fs.
Identifiers: ClinVar variation 584845 (VCV000584845.8), dbSNP rs1566221413, ClinGen allele CA891843616.

ClinVar aggregate classification (germline): Pathogenic/Likely pathogenic. Review status: criteria provided, multiple submitters, no conflicts (2 of 4 stars). 4 submissions from 4 submitters: Pathogenic (3); Likely pathogenic (1). Last evaluated 2025-11-20.

Conditions:
Hereditary breast ovarian cancer syndrome. Also called: Hereditary breast and ovarian cancer syndrome (HBOC); Breast and ovarian cancer; Hereditary breast and ovarian cancer syndrome; Hereditary breast and ovarian cancer; BRCA1- and BRCA2-Associated Hereditary Breast and Ovarian Cancer; Hereditary breast and/or ovarian cancer syndrome. Identifiers: Orphanet 145, MedGen C0677776, MeSH D061325, MONDO:0003582. Disease mechanism: loss of function.
Hereditary cancer-predisposing syndrome. Also called: Neoplastic Syndromes, Hereditary; Hereditary Cancer Syndrome; Tumor predisposition; Hereditary neoplastic syndrome. Identifiers: Orphanet 140162, MedGen C0027672, MeSH D009386, MONDO:0015356.
Breast-ovarian cancer, familial, susceptibility to, 2 (BROVCA2). Also called: BRCA2 Hereditary Breast and Ovarian Cancer. Identifiers: Orphanet 145, MedGen C2675520, MONDO:0012933, OMIM 612555. Disease mechanism: loss of function.

Submissions (4):

Labcorp Genetics (formerly Invitae), Labcorp
Classification: Pathogenic for Hereditary breast ovarian cancer syndrome. Last evaluated: 2025-11-20. Review status: criteria provided, single submitter. Criteria: Invitae Variant Classification Sherloc (09022015). Collection method: clinical testing. Allele origin: germline.
Comment: This sequence change creates a premature translational stop signal (p.Phe246Leufs*5) in the BRCA2 gene. It is expected to result in an absent or disrupted protein product. Loss-of-function variants in BRCA2 are known to be pathogenic (PMID: 20104584). This variant is not present in population databases (gnomAD no frequency). This premature translational stop signal has been observed in individual(s) with hereditary breast and ovarian cancer syndrome (PMID: 29907814). ClinVar contains an entry for this variant (Variation ID: 584845). For these reasons, this variant has been classified as Pathogenic.

Ambry Genetics
Classification: Pathogenic for Hereditary cancer-predisposing syndrome. Last evaluated: 2024-01-10. Review status: criteria provided, single submitter. Criteria: Ambry Variant Classification Scheme 2023. Collection method: clinical testing. Allele origin: germline.
Comment: The c.738delT pathogenic mutation, located in coding exon 8 of the BRCA2 gene, results from a deletion of one nucleotide at nucleotide position 738, causing a translational frameshift with a predicted alternate stop codon (p.F246Lfs*5). This alteration was detected in a cohort of 1663 Brazilian breast cancer patients who underwent hereditary multigene panel testing (Guindalini RSC et al. Sci Rep, 2022 Mar;12:4190). This variant is considered to be rare based on population cohorts in the Genome Aggregation Database (gnomAD). In addition to the clinical data presented in the literature, this alteration is expected to result in loss of function by premature protein truncation or nonsense-mediated mRNA decay. As such, this alteration is interpreted as a disease-causing mutation.

Laboratorio de Genetica e Diagnostico Molecular, Hospital Israelita Albert Einstein
Classification: Likely pathogenic for Breast-ovarian cancer, familial, susceptibility to, 2. Last evaluated: 2022-09-03. Review status: criteria provided, single submitter. Criteria: ACMG Guidelines, 2015. Collection method: clinical testing. Allele origin: germline. Affected: yes. Observed: 1 variant allele.
Comment: ACMG classification criteria: PVS1 very strong, PS4 supporting, PM2 moderated

Mendelics
Classification: Pathogenic for Breast-ovarian cancer, familial, susceptibility to, 2. Last evaluated: 2019-05-28. Review status: criteria provided, single submitter. Criteria: Mendelics Assertion Criteria 2017. Collection method: clinical testing. Allele origin: unknown.

Literature cited by the submitters: PubMed 20104584 (cited by Labcorp Genetics (formerly Invitae), Labcorp); PubMed 29907814 (cited by Labcorp Genetics (formerly Invitae), Labcorp); PubMed 35264596 (cited by Ambry Genetics).